The following is an entry in ClinVar:

NM_004104.5(FASN):c.6580G>A (p.Ala2194Thr)

Gene: FASN (fatty acid synthase; minus strand). Cytogenetic location: 17q25.3.
Variant type: single nucleotide variant.
Coding change: c.6580G>A on transcript NM_004104.5 (MANE Select); coding-DNA position 6580, G replaced by A.
Protein change: p.Ala2194Thr; replaces alanine 2194 with threonine.
Molecular consequence: missense variant.
Genome position (GRCh38, 1-based): chr17:82,081,179, C>T on the plus strand (G>A on the coding strand, the complement: FASN is on the minus strand). VCF-style: chr17-82081179-C-T. GRCh37 (hg19) VCF-style: chr17-80039055-C-T.
Other names: short protein forms A2194T.
Identifiers: ClinVar variation 2002420 (VCV002002420.4), dbSNP rs2033980829, ClinGen allele CA401599938.

ClinVar aggregate classification (germline): Uncertain significance (1 of 4 stars; one submission).

Conditions:
Epileptic encephalopathy. Identifiers: MedGen C0543888, HP:0200134.

Allele frequency attached by ClinVar (database versions not stated): gnomAD exomes below 0.00001; TOPMed below 0.00001.
gnomAD v4.1: 1 of 1,588,408 alleles (0.000063%); highest among the groups gnomAD compares: Non-Finnish European, 0.000086%; no homozygotes.

Submission:

Labcorp Genetics (formerly Invitae), Labcorp
Classification: Uncertain significance for Epileptic encephalopathy. Last evaluated: 2024-10-26. Review status: criteria provided, single submitter. Criteria: Invitae Variant Classification Sherloc (09022015). Collection method: clinical testing. Allele origin: germline.
Comment: This sequence change replaces alanine, which is neutral and non-polar, with threonine, which is neutral and polar, at codon 2194 of the FASN protein (p.Ala2194Thr). This variant is not present in population databases (gnomAD no frequency). This variant has not been reported in the literature in individuals affected with FASN-related conditions. ClinVar contains an entry for this variant (Variation ID: 2002420). An algorithm developed to predict the effect of missense changes on protein structure and function outputs the following: PolyPhen-2: "Benign". The threonine amino acid residue is found in multiple mammalian species, which suggests that this missense change does not adversely affect protein function. In summary, the available evidence is currently insufficient to determine the role of this variant in disease. Therefore, it has been classified as a Variant of Uncertain Significance.